The following is an entry in ClinVar:

ClinVar aggregate classification (germline): Likely benign. Review status: criteria provided, multiple submitters, no conflicts (2 of 4 stars). 4 submissions from 4 submitters: Likely benign (4). Last evaluated 2026-07-01.

Allele frequency attached by ClinVar (database versions not stated): 1000 Genomes Project 0.00220; 1000 Genomes Project 30x 0.00234; TOPMed 0.00522; gnomAD 0.00596; ESP Exome Variant Server 0.00607.
gnomAD v4.1: 8,759 of 1,614,056 alleles (0.54%); highest among the groups gnomAD compares: Non-Finnish European, 0.66%; 40 homozygotes.

Submissions (4):

CeGaT Center for Human Genetics Tuebingen
Classification: Likely benign. Last evaluated: 2026-07-01. Review status: criteria provided, single submitter. Criteria: CeGaT Center For Human Genetics Tuebingen Variant Classification Criteria Version 2. Collection method: clinical testing. Allele origin: germline. Affected: yes. Observed: 3 variant alleles.
Comment: SHPK: BS2

Labcorp Genetics (formerly Invitae), Labcorp
Classification: Likely benign. Last evaluated: 2026-01-21. Review status: criteria provided, single submitter. Criteria: Invitae Variant Classification Sherloc (09022015). Collection method: clinical testing. Allele origin: germline.

Blueprint Genetics
Classification: Likely benign. Last evaluated: 2024-11-26. Review status: criteria provided, single submitter. Criteria: ACMG Guidelines, 2015. Collection method: clinical testing. Allele origin: germline.

Breakthrough Genomics
Classification: Likely benign. Review status: criteria provided, single submitter. Criteria: ACMG Guidelines, 2015. Collection method: not provided. Allele origin: germline. Inheritance: Autosomal recessive inheritance. Affected: yes.

NM_013276.4(SHPK):c.1237A>G (p.Met413Val)

Gene: SHPK (sedoheptulokinase; minus strand). Cytogenetic location: 17p13.2.
Variant type: single nucleotide variant.
Coding change: c.1237A>G on transcript NM_013276.4 (MANE Select); coding-DNA position 1237, A replaced by G.
Protein change: p.Met413Val; replaces methionine 413 with valine.
Molecular consequence: missense variant.
Genome position (GRCh38, 1-based): chr17:3,610,760, T>C on the plus strand (A>G on the coding strand, the complement: SHPK is on the minus strand). VCF-style: chr17-3610760-T-C. GRCh37 (hg19) VCF-style: chr17-3514054-T-C.
Other names: short protein forms M413V.
Identifiers: ClinVar variation 786430 (VCV000786430.36), dbSNP rs35091524, ClinGen allele CA8291063.
Genomic context (GRCh38, chr17:3,610,760, plus strand): 5'-CACTCCCACTGCCCATCACCCTCTCCACGCCCCACTCCTGGAGCTGCTGAATCGGAAGCA[T>C]GGAGTGCAGGTTCTGAACAATGCCTCGGCACAGAGCCCGGGTCACGTGCCCCAGGGAGAG-3'
Protein context (NP_037408.2, residues 403-423): CRGIVQNLHS[Met413Val]LPIQQLQEWG